The following is an entry in ClinVar:

NM_152384.3(BBS5):c.720G>A (p.Val240=)

Gene: BBS5 (Bardet-Biedl syndrome 5; plus strand). Cytogenetic location: 2q31.1.
Variant type: single nucleotide variant.
Coding change: c.720G>A on transcript NM_152384.3 (MANE Select); coding-DNA position 720, G replaced by A.
Protein change: p.Val240=; no amino-acid change (valine 240 retained).
Molecular consequence: synonymous variant.
Genome position (GRCh38, 1-based): chr2:169,499,524, G>A. VCF-style: chr2-169499524-G-A. GRCh37 (hg19) VCF-style: chr2-170356034-G-A.
Other names: c.720G>A (NM_152384.2).
Identifiers: ClinVar variation 1957600 (VCV001957600.7), dbSNP rs1198905305, ClinGen allele CA429924680.

ClinVar aggregate classification (germline): Likely benign. Review status: criteria provided, multiple submitters, no conflicts (2 of 4 stars). 3 submissions from 3 submitters: Likely benign (2). 1 of the submissions does not count toward it. Last evaluated 2023-11-21.

Conditions:
Bardet-Biedl syndrome (BBS). Identifiers: Orphanet 110, MedGen C0752166, MONDO:0015229.
BBS5-related disorder. Also called: BBS5-related condition.

Allele frequency attached by ClinVar (database versions not stated): gnomAD exomes below 0.00001.
gnomAD v4.1: 1 of 1,613,132 alleles (0.000062%); highest among the groups gnomAD compares: Admixed American, 0.0017%; no homozygotes.

Submissions (3):

Labcorp Genetics (formerly Invitae), Labcorp
Classification: Likely benign for Bardet-Biedl syndrome. Last evaluated: 2023-11-21. Review status: criteria provided, single submitter. Criteria: Invitae Variant Classification Sherloc (09022015). Collection method: clinical testing. Allele origin: germline.

Blueprint Genetics
Classification: Likely benign. Last evaluated: 2021-02-05. Review status: criteria provided, single submitter. Criteria: ACMG Guidelines, 2015. Collection method: clinical testing. Allele origin: germline.

PreventionGenetics, part of Exact Sciences
Classification: Likely benign for BBS5-related condition. Last evaluated: 2022-12-08. Review status: no assertion criteria provided. Collection method: clinical testing. Allele origin: germline. Not counted in ClinVar's aggregate classification.
Comment: This variant is classified as likely benign based on ACMG/AMP sequence variant interpretation guidelines (Richards et al. 2015 PMID: 25741868, with internal and published modifications).